The following is an entry in ClinVar:

NM_001372051.1(CASP8):c.595+133del

Gene: CASP8 (caspase 8; plus strand). Cytogenetic location: 2q33.1.
Variant type: Deletion.
Coding change: c.595+133del on transcript NM_001372051.1 (MANE Select); 133 bases into the intron after coding-DNA position 595, one base deleted (T; older notation c.595+133delT).
Molecular consequence: intron variant.
Genome position (GRCh38, 1-based): chr2:201,273,075, T deleted; the last of 17 consecutive T bases (chr2:201,273,059-201,273,075); deleting any one gives the same sequence. VCF-style (leftmost placement, unchanged base first): chr2-201273058-CT-C. GRCh37 (hg19) VCF-style: chr2-202137781-CT-C.
Other names: c.646+299del (NM_001228.5); c.595+133del (NM_001400651.1, NM_001400657.1, NM_001400648.1 and 8 more transcripts); c.550+299del (NM_001400663.1, NM_001400660.1, NM_001080124.2 and 7 more transcripts); c.18+299del (NM_001400677.1, NM_001400751.1, NM_001400678.1 and 2 more transcripts); c.286+133del (NM_001400669.1); c.-21+133del (NM_001400680.1); c.772+133del (NM_001080125.2); c.727+299del (NM_001400642.1, NM_001400665.1); and 4 more.
Identifiers: ClinVar variation 1216307 (VCV001216307.5), dbSNP rs397826156, ClinGen allele CA538931871.

ClinVar aggregate classification (germline): Benign/Likely benign. Review status: criteria provided, multiple submitters, no conflicts (2 of 4 stars). 2 submissions from 2 submitters: Benign (1); Likely benign (1). Last evaluated 2023-11-12.

Submissions (2):

Unidad de Genómica Garrahan, Hospital de Pediatría Garrahan
Classification: Benign. Last evaluated: 2023-11-12. Review status: criteria provided, single submitter. Criteria: ACMG Guidelines, 2015. Collection method: clinical testing. Allele origin: germline. Affected: no. Observed: 42 variant alleles.
Comment: This variant is classified as Benign based on local population frequency. This variant was detected in 44% of patients studied by a panel of primary immunodeficiencies. Number of patients: 42. Only high quality variants are reported.

GeneDx
Classification: Likely benign. Last evaluated: 2019-09-07. Review status: criteria provided, single submitter. Criteria: GeneDx Variant Classification Process June 2021. Collection method: clinical testing. Allele origin: germline. Affected: yes.